The following is an entry in ClinVar:

NM_148960.3(CLDN19):c.*1327T>C

Gene: CLDN19 (claudin 19; minus strand). Cytogenetic location: 1p34.2.
Variant type: single nucleotide variant.
Coding change: c.*1327T>C on transcript NM_148960.3 (MANE Select); 1327 bases downstream of the stop codon, T replaced by C.
Molecular consequence: 3 prime UTR variant.
Genome position (GRCh38, 1-based): chr1:42,733,759, A>G on the plus strand (T>C on the coding strand, the complement: CLDN19 is on the minus strand). VCF-style: chr1-42733759-A-G. GRCh37 (hg19) VCF-style: chr1-43199430-A-G.
Other names: c.*2109T>C (NM_001123395.2); c.*2003T>C (NM_001185117.2).
Identifiers: ClinVar variation 875413 (VCV000875413.4), dbSNP rs76855155, ClinGen allele CA21235584.

ClinVar aggregate classification (germline): Benign (1 of 4 stars; one submission).

Conditions:
Renal hypomagnesemia 5 with ocular involvement. Also called: FHHNC WITH SEVERE OCULAR INVOLVEMENT; HYPOMAGNESEMIA, FAMILIAL, WITH HYPERCALCIURIA, NEPHROCALCINOSIS, AND SEVERE OCULAR INVOLVEMENT; MACULAR COLOBOMA, BILATERAL, WITH HYPERCALCIURIA; HYPOMAGNESEMIA 5, RENAL, WITH OR WITHOUT OCULAR INVOLVEMENT. Identifiers: Orphanet 2196, MedGen C4721891, MONDO:0009548, OMIM 248190.

Allele frequency attached by ClinVar (database versions not stated): gnomAD exomes 0.00186; gnomAD 0.00718 and 0.00772; 1000 Genomes Project 0.00819; TOPMed 0.00828; 1000 Genomes Project 30x 0.00859.
gnomAD v4.1: 1,081 of 152,768 alleles (0.71%); highest among the groups gnomAD compares: African/African-American, 2.5%; 16 homozygotes.

Submission:

Illumina Laboratory Services, Illumina
Classification: Benign for Renal hypomagnesemia 5 with ocular involvement. Last evaluated: 2017-04-27. Review status: criteria provided, single submitter. Criteria: ICSL Variant Classification Criteria 13 December 2019. Collection method: clinical testing. Allele origin: germline.
Comment: This variant was observed as part of a predisposition screen in an ostensibly healthy population. A literature search was performed for the gene, cDNA change, and amino acid change (where applicable). No publications were found based on this search. Allele frequency data from public databases was too high to be consistent with this variant causing disease. Therefore, this variant is classified as benign.